The following is an entry in ClinVar:

NM_015338.6(ASXL1):c.1337T>C (p.Val446Ala)

Gene: ASXL1 (ASXL transcriptional regulator 1; plus strand). Cytogenetic location: 20q11.21.
Variant type: single nucleotide variant.
Coding change: c.1337T>C on transcript NM_015338.6 (MANE Select); coding-DNA position 1337, T replaced by C.
Protein change: p.Val446Ala; replaces valine 446 with alanine.
Molecular consequence: missense variant.
Genome position (GRCh38, 1-based): chr20:32,433,535, T>C. VCF-style: chr20-32433535-T-C. GRCh37 (hg19) VCF-style: chr20-31021338-T-C.
Other names: c.1154T>C, p.Val385Ala (NM_001363734.1); short protein forms V446A, V385A.
Identifiers: ClinVar variation 3791590 (VCV003791590.1).
Genomic context (GRCh38, chr20:32,433,535, plus strand): 5'-AAAAACAGGAGTCAGAACAAGCAGGGGTTGCTAAGGATGCAAAATCTGTGGCCTCAGATG[T>C]TCCCCTCTACAAGGATGGGGAGGCTAAGACTGACCCAGCAGGGCTGAGCAGTCCCCATCT-3'
Protein context (NP_056153.2, residues 436-456): AKDAKSVASD[Val446Ala]PLYKDGEAKT

ClinVar aggregate classification (germline): Uncertain significance (1 of 4 stars; one submission).

Conditions:
Inborn genetic diseases. Identifiers: MedGen C0950123, MeSH D030342.

Submission:

Ambry Genetics
Classification: Uncertain significance for Inborn genetic diseases. Last evaluated: 2024-12-22. Review status: criteria provided, single submitter. Criteria: Ambry Variant Classification Scheme 2023. Collection method: clinical testing. Allele origin: germline.
Comment: The p.V446A variant (also known as c.1337T>C), located in coding exon 12 of the ASXL1 gene, results from a T to C substitution at nucleotide position 1337. The valine at codon 446 is replaced by alanine, an amino acid with similar properties. This amino acid position is conserved. In addition, this alteration is predicted to be tolerated by in silico analysis. Based on the available evidence, the clinical significance of this variant remains unclear.